The following is an entry in ClinVar:

ClinVar aggregate classification (germline): Uncertain significance (1 of 4 stars; one submission).

Allele frequency attached by ClinVar (database versions not stated): TOPMed 0.00001.

Submission:

Labcorp Genetics (formerly Invitae), Labcorp
Classification: Uncertain significance. Last evaluated: 2023-09-27. Review status: criteria provided, single submitter. Criteria: Invitae Variant Classification Sherloc (09022015). Collection method: clinical testing. Allele origin: germline.
Comment: This variant has not been reported in the literature in individuals affected with TOP1MT-related conditions. Advanced modeling of protein sequence and biophysical properties (such as structural, functional, and spatial information, amino acid conservation, physicochemical variation, residue mobility, and thermodynamic stability) performed at Invitae indicates that this missense variant is not expected to disrupt TOP1MT protein function. In summary, the available evidence is currently insufficient to determine the role of this variant in disease. Therefore, it has been classified as a Variant of Uncertain Significance. This variant is not present in population databases (gnomAD no frequency). This sequence change replaces arginine, which is basic and polar, with tryptophan, which is neutral and slightly polar, at codon 10 of the TOP1MT protein (p.Arg10Trp).

NM_052963.3(TOP1MT):c.28C>T (p.Arg10Trp)

Gene: TOP1MT (DNA topoisomerase I mitochondrial; minus strand). Cytogenetic location: 8q24.3.
Variant type: single nucleotide variant.
Coding change: c.28C>T on transcript NM_052963.3 (MANE Select); coding-DNA position 28, C replaced by T.
Protein change: p.Arg10Trp; replaces arginine 10 with tryptophan.
Molecular consequence: missense variant. On other transcripts: intron variant (2).
Genome position (GRCh38, 1-based): chr8:143,334,834, G>A on the plus strand (C>T on the coding strand, the complement: TOP1MT is on the minus strand). VCF-style: chr8-143334834-G-A. GRCh37 (hg19) VCF-style: chr8-144417004-G-A.
Other names: c.-172-3495C>T (NM_001258447.1, NM_001258446.1); short protein forms R10W.
Identifiers: ClinVar variation 2987549 (VCV002987549.3), dbSNP rs1196191075, ClinGen allele CA372425039.